The following is an entry in ClinVar:

ClinVar aggregate classification (germline): Conflicting classifications of pathogenicity. Review status: criteria provided, conflicting classifications (1 of 4 stars). 6 submissions from 6 submitters: Uncertain significance (1); Benign (1); Likely benign (4). Last evaluated 2025-08-13.

Conditions:
Juvenile polyposis syndrome (JPS). Identifiers: Orphanet 2929, MedGen C0345893, MONDO:0017380, OMIM 174900.
Hereditary cancer-predisposing syndrome. Also called: Tumor predisposition; Hereditary Cancer Syndrome; Neoplastic Syndromes, Hereditary; Hereditary neoplastic syndrome. Identifiers: Orphanet 140162, MedGen C0027672, MeSH D009386, MONDO:0015356.

Allele frequency attached by ClinVar (database versions not stated): ExAC 0.00001; gnomAD exomes 0.00001; TOPMed 0.00001.
gnomAD v4.1: 3 of 1,614,136 alleles (0.00019%); highest among the groups gnomAD compares: Non-Finnish European, 0.00025%; no homozygotes.

Submissions (6):

Labcorp Genetics (formerly Invitae), Labcorp
Classification: Likely benign for Juvenile polyposis syndrome. Last evaluated: 2025-08-13. Review status: criteria provided, single submitter. Criteria: Invitae Variant Classification Sherloc (09022015). Collection method: clinical testing. Allele origin: germline.

Myriad Genetics, Inc.
Classification: Benign for Juvenile polyposis syndrome. Last evaluated: 2024-08-01. Review status: criteria provided, single submitter. Criteria: Myriad Autosomal Dominant, Autosomal Recessive and X-Linked Classification Criteria (2023). Collection method: clinical testing. Allele origin: unknown.
Comment: This variant is considered benign. This variant is a silent/synonymous amino acid change and it is not expected to impact splicing.

GeneDx
Classification: Uncertain significance. Last evaluated: 2022-09-06. Review status: criteria provided, single submitter. Criteria: GeneDx Variant Classification Process June 2021. Collection method: clinical testing. Allele origin: germline. Affected: yes.
Comment: Not observed at significant frequency in large population cohorts (gnomAD); In silico analysis supports that this variant does not alter splicing; Has not been previously published as pathogenic or benign to our knowledge

Blueprint Genetics
Classification: Likely benign. Last evaluated: 2021-09-03. Review status: criteria provided, single submitter. Criteria: ACMG Guidelines, 2015. Collection method: clinical testing. Allele origin: germline.

Ambry Genetics
Classification: Likely benign for Hereditary cancer-predisposing syndrome. Last evaluated: 2020-06-11. Review status: criteria provided, single submitter. Criteria: Ambry Variant Classification Scheme 2023. Collection method: clinical testing. Allele origin: germline.

Color Diagnostics, LLC DBA Color Health
Classification: Likely benign for Hereditary cancer-predisposing syndrome. Last evaluated: 2017-07-06. Review status: criteria provided, single submitter. Criteria: ACMG Guidelines, 2015. Collection method: clinical testing. Allele origin: germline.

NM_004329.3(BMPR1A):c.411A>G (p.Thr137=)

Gene: BMPR1A (bone morphogenetic protein receptor type 1A; plus strand). Cytogenetic location: 10q23.2.
Variant type: single nucleotide variant.
Coding change: c.411A>G on transcript NM_004329.3 (MANE Select); coding-DNA position 411, A replaced by G.
Protein change: p.Thr137=; no amino-acid change (threonine 137 retained).
Molecular consequence: synonymous variant.
Genome position (GRCh38, 1-based): chr10:86,899,871, A>G. VCF-style: chr10-86899871-A-G. GRCh37 (hg19) VCF-style: chr10-88659628-A-G.
Identifiers: ClinVar variation 490996 (VCV000490996.20), dbSNP rs777389675, ClinGen allele CA5585500.